The following is an entry in ClinVar:

ClinVar aggregate classification (germline): Conflicting classifications of pathogenicity. Review status: criteria provided, conflicting classifications (1 of 4 stars). 6 submissions from 6 submitters: Uncertain significance (5); Likely benign (1). Last evaluated 2026-06-18.

Conditions:
Perrault syndrome 1 (PRLTS1). Also called: GONADAL DYSGENESIS, XX TYPE, WITH DEAFNESS; OVARIAN DYSGENESIS WITH SENSORINEURAL DEAFNESS. Identifiers: Orphanet 2855, Orphanet 642945, MedGen C4551721, MONDO:0009300, OMIM 233400.
Bifunctional peroxisomal enzyme deficiency (DBIF). Also called: D-bifunctional protein deficiency; DBP DEFICIENCY; PBFE DEFICIENCY. Identifiers: Orphanet 300, MedGen C0342870, MONDO:0009855, OMIM 261515. Disease mechanism: loss of function.
HSD17B4-related disorder. Also called: HSD17B4-related condition; HSD17B4-related disorders.
Inborn genetic diseases. Identifiers: MedGen C0950123, MeSH D030342.
Perrault syndrome. Also called: Gonadal dysgenesis with auditory dysfunction, autosomal recessive inheritance. Identifiers: Orphanet 2855, MedGen C0685838, MONDO:0017312.

Allele frequency attached by ClinVar (database versions not stated): gnomAD exomes 0.00003 and 0.00011; ExAC 0.00014; TOPMed 0.00024; gnomAD 0.00029; 1000 Genomes Project 30x 0.00031; ESP Exome Variant Server 0.00031; 1000 Genomes Project 0.00040.
gnomAD v4.1: 94 of 1,588,786 alleles (0.0059%); highest among the groups gnomAD compares: African/African-American, 0.081%; no homozygotes.

Submissions (6):

GeneDx
Classification: Uncertain significance. Last evaluated: 2026-06-18. Review status: criteria provided, single submitter. Criteria: GeneDx Variant Classification Process June 2021. Collection method: clinical testing. Allele origin: germline.
Comment: Published functional studies in E. coli demonstrated that the p.(R562H) variant increased, rather than decreased, hydratase activity of the D-bifunctional protein (PMID: 28649525); In silico analysis supports that this missense variant has a deleterious effect on protein structure/function; This variant is associated with the following publications: (PMID: 28649525)

Labcorp Genetics (formerly Invitae), Labcorp
Classification: Likely benign for Perrault syndrome; Bifunctional peroxisomal enzyme deficiency. Last evaluated: 2026-01-12. Review status: criteria provided, single submitter. Criteria: Invitae Variant Classification Sherloc (09022015). Collection method: clinical testing. Allele origin: germline.

PreventionGenetics, part of Exact Sciences
Classification: Uncertain significance for HSD17B4-related condition. Last evaluated: 2026-01-12. Review status: criteria provided, single submitter. Criteria: ACMG Guidelines, 2015. Collection method: clinical testing. Allele origin: germline.
Comment: The HSD17B4 c.1685G>A variant is predicted to result in the amino acid substitution p.Arg562His. To our knowledge, this variant has not been reported in the literature in association with HSD17B4 related diseases. Functional studies suggest that the p.Arg562His variant does not reduce enzyme activity (Tsuchida . 2015. PubMed ID: 28649525). This variant is reported in 0.13% of alleles in individuals of African descent in gnomAD. Although we suspect that this variant may be benign, at this time, the clinical significance of this variant is uncertain due to the absence of conclusive functional and genetic evidence.

Fulgent Genetics
Classification: Uncertain significance for Perrault syndrome 1; Bifunctional peroxisomal enzyme deficiency. Last evaluated: 2024-03-21. Review status: criteria provided, single submitter. Criteria: ACMG Guidelines, 2015. Collection method: clinical testing. Allele origin: germline.

Ambry Genetics
Classification: Uncertain significance for Inborn genetic diseases. Last evaluated: 2022-07-21. Review status: criteria provided, single submitter. Criteria: Ambry Variant Classification Scheme 2023. Collection method: clinical testing. Allele origin: germline.

Eurofins Ntd Llc (ga)
Classification: Uncertain significance. Last evaluated: 2017-05-24. Review status: criteria provided, single submitter. Criteria: EGL Classification Definitions 2015. Collection method: clinical testing. Allele origin: germline. Observed: 3 variant alleles, 3 heterozygotes.

Literature cited by the submitters: PubMed 28649525 (cited by Ambry Genetics).

NM_000414.4(HSD17B4):c.1685G>A (p.Arg562His)

Gene: HSD17B4 (hydroxysteroid 17-beta dehydrogenase 4; plus strand). Cytogenetic location: 5q23.1.
Variant type: single nucleotide variant.
Coding change: c.1685G>A on transcript NM_000414.4 (MANE Select); coding-DNA position 1685, G replaced by A.
Protein change: p.Arg562His; replaces arginine 562 with histidine.
Molecular consequence: missense variant.
Genome position (GRCh38, 1-based): chr5:119,527,137, G>A. VCF-style: chr5-119527137-G-A. GRCh37 (hg19) VCF-style: chr5-118862832-G-A.
Other names: c.1760G>A, p.Arg587His (NM_001199291.3); c.1631G>A, p.Arg544His (NM_001199292.2); c.1613G>A, p.Arg538His (NM_001292027.2); c.1265G>A, p.Arg422His (NM_001292028.2); c.1685G>A (NM_000414.3); short protein forms R562H, R422H, R587H, R538H, R544H.
Identifiers: ClinVar variation 501977 (VCV000501977.16), dbSNP rs35281104, ClinGen allele CA3382364.